The following is an entry in ClinVar:

NM_001122764.3(PPOX):c.1351T>G (p.Tyr451Asp)

Gene: PPOX (protoporphyrinogen oxidase; plus strand). Cytogenetic location: 1q23.3.
Variant type: single nucleotide variant.
Coding change: c.1351T>G on transcript NM_001122764.3 (MANE Select); coding-DNA position 1351, T replaced by G.
Protein change: p.Tyr451Asp; replaces tyrosine 451 with aspartic acid.
Molecular consequence: missense variant.
Genome position (GRCh38, 1-based): chr1:161,171,093, T>G. VCF-style: chr1-161171093-T-G. GRCh37 (hg19) VCF-style: chr1-161140883-T-G.
Other names: c.1351T>G, p.Tyr451Asp (NM_000309.5, NM_001365398.1); c.1252T>G, p.Tyr418Asp (NM_001350128.2); c.943T>G, p.Tyr315Asp (NM_001350129.2, NM_001365400.1); c.865T>G, p.Tyr289Asp (NM_001350130.2, NM_001350131.2, NM_001365401.1); c.1240T>G, p.Tyr414Asp (NM_001365399.1); short protein forms Y289D, Y315D, Y414D, Y418D, Y451D.
Identifiers: ClinVar variation 5010288 (VCV005010288.1).

ClinVar aggregate classification (germline): Uncertain significance (1 of 4 stars; one submission).

Conditions:
Variegate porphyria (VP). Also called: PORPHYRIA, SOUTH AFRICAN TYPE; PROTOPORPHYRINOGEN OXIDASE DEFICIENCY; PPOX DEFICIENCY. Identifiers: Orphanet 79473, MedGen C0162532, MONDO:0008297, OMIM 176200.

Submission:

Department of Dermatology, Peking Union Medical College Hospital
Classification: Uncertain significance for Variegate porphyria. Last evaluated: 2026-08-26. Review status: criteria provided, single submitter. Criteria: ACMG Guidelines, 2015. Collection method: provider interpretation. Allele origin: germline. Inheritance: Autosomal dominant inheritance. Affected: yes and no. Observed: 2 variant alleles, 2 heterozygotes. Clinical features observed: Erythema (HP:0010783), Milia (HP:0001056), Scarring (HP:0100699), Hyperpigmentation of the skin (HP:0000953), Abdominal pain (HP:0002027).
Comment: Classified as a variant of uncertain significance using PM2_Supporting, PP3 and PP4. PM2_Supporting: NM_001122764.3:c.1351T>G (p.Tyr451Asp) was absent from population-based cohorts in the Genome Aggregation Database (gnomAD). PP3: multiple computational predictors supported a damaging effect (SIFT 0, PolyPhen-2 1, AlphaMissense 0.9683, ClinPred 0.9995 and MetaRNN 0.9770), and structural modelling predicted disruption of local structure in a C-terminal helix. PP4: the proband had a phenotype consistent with variegate porphyria. In summary, the evidence is currently insufficient for a likely pathogenic classification: PM2_Supporting, PP3 and PP4.